The following is an entry in ClinVar:

NM_000092.5(COL4A4):c.1505del (p.Pro502fs)

Gene: COL4A4 (collagen type IV alpha 4 chain; minus strand). Cytogenetic location: 2q36.3.
Variant type: Deletion.
Coding change: c.1505del on transcript NM_000092.5 (MANE Select); coding-DNA position 1505, one base deleted (C; older notation c.1505delC).
Protein change: p.Pro502fs; shifts the reading frame from proline 502.
Molecular consequence: frameshift variant.
Genome position (GRCh38, 1-based): chr2:227,088,771, G deleted on the plus strand (C on the coding strand, the reverse complement: COL4A4 is on the minus strand); the first of 6 consecutive G bases (chr2:227,088,771-227,088,776); deleting any one gives the same sequence. VCF-style (leftmost placement, unchanged base first): chr2-227088770-AG-A. GRCh37 (hg19) VCF-style: chr2-227953486-AG-A.
Other names: c.1505delC (NM_000092.4); short protein forms P502fs.
Identifiers: ClinVar variation 3235870 (VCV003235870.6), dbSNP rs2475031974, ClinGen allele CA431500347.

ClinVar aggregate classification (germline): Pathogenic/Likely pathogenic. Review status: criteria provided, multiple submitters, no conflicts (2 of 4 stars). 5 submissions from 5 submitters: Pathogenic (3); Likely pathogenic (2). Last evaluated 2025-07-16.

Conditions:
Hematuria, benign familial, 1 (BFH1). Also called: THIN MEMBRANE NEPHROPATHY. Identifiers: MedGen CN376803, MONDO:0007709, OMIM 141200.
Autosomal recessive Alport syndrome (ATS2). Also called: COL4A4 Alport Syndrome and Thin Basement Membrane Nephropathy; COL4A3-Related Nephropathy; Alport syndrome type 2; ALPORT SYNDROME 2, AUTOSOMAL RECESSIVE. Identifiers: Orphanet 63, Orphanet 88919, MedGen C4746745, MONDO:0008762, OMIM 203780.
COL4A4-related disorder.

Submissions (5):

Institute of Human Genetics, Cologne University
Classification: Likely pathogenic for Hematuria, benign familial, 1. Last evaluated: 2025-07-16. Review status: criteria provided, single submitter. Criteria: ACMG Guidelines, 2015. Collection method: clinical testing. Allele origin: germline. Affected: yes.

PreventionGenetics, part of Exact Sciences
Classification: Pathogenic for COL4A4-related condition. Last evaluated: 2025-03-26. Review status: criteria provided, single submitter. Criteria: ACMG Guidelines, 2015. Collection method: clinical testing. Allele origin: germline.
Comment: The COL4A4 c.1505delC variant is predicted to result in a frameshift and premature protein termination (p.Pro502Leufs*151). This variant has been reported in the compound heterozygous state in a patient with Alport syndrome (Supp. Table 1, Sun et al. 2018. PubMed ID: 30076350). This variant was also reported in the heterozygous state in both clinically asymptomatic and symptomatic individuals in a family with Alport syndrome spectrum phenotypes; and some individuals of this family also have a pathogenic variant p.Gly997Glu in COL4A3 in addition to COL4A4 c.1505del (p.Pro502Leufs*151) (Wang et al. 2024. PubMed ID: 38978054). The c.1505del (p.Pro502Leufs*151) variant has not been reported in a large population database (gnomAD), indicating this variant is rare. Frameshift variants in COL4A4 are expected to be pathogenic. This variant is interpreted as pathogenic for both autosomal dominant and recessive COL4A4-related Alport syndrome spectrum disorders.

Fulgent Genetics
Classification: Pathogenic for Hematuria, benign familial, 1; Autosomal recessive Alport syndrome. Last evaluated: 2024-06-20. Review status: criteria provided, single submitter. Criteria: ACMG Guidelines, 2015. Collection method: clinical testing. Allele origin: germline.

Labcorp Genetics (formerly Invitae), Labcorp
Classification: Pathogenic. Last evaluated: 2024-05-26. Review status: criteria provided, single submitter. Criteria: Invitae Variant Classification Sherloc (09022015). Collection method: clinical testing. Allele origin: germline.
Comment: This sequence change creates a premature translational stop signal (p.Pro502Leufs*151) in the COL4A4 gene. It is expected to result in an absent or disrupted protein product. Loss-of-function variants in COL4A4 are known to be pathogenic (PMID: 21196518, 24854265, 25307543). This variant is not present in population databases (gnomAD no frequency). This premature translational stop signal has been observed in individual(s) with Alport syndrome (PMID: 30076350). For these reasons, this variant has been classified as Pathogenic.

Greenwood Genetic Center Diagnostic Laboratories, Greenwood Genetic Center
Classification: Likely pathogenic for Autosomal recessive Alport syndrome. Last evaluated: 2024-01-30. Review status: criteria provided, single submitter. Criteria: ACMG Guidelines, 2015. Collection method: clinical testing. Allele origin: germline. Affected: yes.
Comment: PVS1, PM2

Literature cited by the submitters: PubMed 21196518 (cited by Labcorp Genetics (formerly Invitae), Labcorp); PubMed 24854265 (cited by Labcorp Genetics (formerly Invitae), Labcorp); PubMed 25307543 (cited by Labcorp Genetics (formerly Invitae), Labcorp); PubMed 30076350 (cited by Labcorp Genetics (formerly Invitae), Labcorp).